The following is an entry in ClinVar:

ClinVar aggregate classification (germline): Pathogenic (1 of 4 stars; one submission).

Conditions:
Ritscher-Schinzel syndrome. Also called: CRANIOCEREBELLOCARDIAC DYSPLASIA. Identifiers: Orphanet 7, MedGen C0796137, MONDO:0019078.
Hereditary spastic paraplegia 8 (SPG8). Also called: SPASTIC PARAPLEGIA 8, AUTOSOMAL DOMINANT. Identifiers: Orphanet 100989, MedGen C1863704, MONDO:0011339, OMIM 603563.

Submission:

Labcorp Genetics (formerly Invitae), Labcorp
Classification: Pathogenic for Ritscher-Schinzel syndrome; Hereditary spastic paraplegia 8. Last evaluated: 2024-01-24. Review status: criteria provided, single submitter. Criteria: Invitae Variant Classification Sherloc (09022015). Collection method: clinical testing. Allele origin: germline.
Comment: This sequence change creates a premature translational stop signal (p.Leu1009Phefs*3) in the WASHC5 gene. It is expected to result in an absent or disrupted protein product. Loss-of-function variants in WASHC5 are known to be pathogenic (PMID: 24065355). This variant is present in population databases (rs765926045, gnomAD 0.002%). This variant has not been reported in the literature in individuals affected with WASHC5-related conditions. ClinVar contains an entry for this variant (Variation ID: 573798). For these reasons, this variant has been classified as Pathogenic.

Literature cited by the submitters: PubMed 24065355.

NM_014846.4(WASHC5):c.3024_3025del (p.Leu1009fs)

Gene: WASHC5 (WASH complex subunit 5; minus strand). Cytogenetic location: 8q24.13.
Variant type: Microsatellite.
Coding change: c.3024_3025del on transcript NM_014846.4 (MANE Select); coding-DNA positions 3024 to 3025, 2 bases deleted (AC; older notation c.3024_3025delAC).
Protein change: p.Leu1009fs; shifts the reading frame from leucine 1009.
Molecular consequence: frameshift variant.
Genome position (GRCh38, 1-based): chr8:125,038,889-125,038,890, GT deleted on the plus strand (AC on the coding strand, the reverse complement: WASHC5 is on the minus strand); deleting any 2 consecutive bases within chr8:125,038,889-125,038,894 gives the same sequence; the c. name uses the placement nearest the transcript's 3' end. VCF-style (leftmost placement, unchanged base first): chr8-125038888-AGT-A. GRCh37 (hg19) VCF-style: chr8-126051130-AGT-A.
Other names: c.2580_2581del, p.Leu861fs (NM_001330609.2); short protein forms L1009fs, L861fs.
Identifiers: ClinVar variation 573798 (VCV000573798.8), dbSNP rs765926045, ClinGen allele CA4873346.